The following is an entry in ClinVar:

ClinVar aggregate classification (germline): Likely benign (1 of 4 stars; one submission).

gnomAD v4.1: 104 of 1,614,000 alleles (0.0064%); highest among the groups gnomAD compares: South Asian, 0.011%; no homozygotes.

Submission:

CeGaT Center for Human Genetics Tuebingen
Classification: Likely benign. Last evaluated: 2026-09-01. Review status: criteria provided, single submitter. Criteria: CeGaT Center For Human Genetics Tuebingen Variant Classification Criteria Version 2. Collection method: clinical testing. Allele origin: germline. Affected: yes. Observed: 1 variant allele.
Comment: INPP5K: BP4, BP7

NM_016532.4(INPP5K):c.993C>T (p.Ile331=)

Gene: INPP5K (inositol polyphosphate-5-phosphatase K; minus strand). Cytogenetic location: 17p13.3.
Variant type: single nucleotide variant.
Coding change: c.993C>T on transcript NM_016532.4 (MANE Select); coding-DNA position 993, C replaced by T.
Protein change: p.Ile331=; no amino-acid change (isoleucine 331 retained).
Molecular consequence: synonymous variant.
Genome position (GRCh38, 1-based): chr17:1,496,774, G>A on the plus strand (C>T on the coding strand, the complement: INPP5K is on the minus strand). VCF-style: chr17-1496774-G-A. GRCh37 (hg19) VCF-style: chr17-1400068-G-A.
Other names: c.765C>T, p.Ile255= (NM_001135642.2, NM_130766.3).
Identifiers: ClinVar variation 5041214 (VCV005041214.1).